The following is an entry in ClinVar:

ClinVar aggregate classification (germline): Uncertain significance. Review status: criteria provided, multiple submitters, no conflicts (2 of 4 stars). 2 submissions from 2 submitters: Uncertain significance (2). Last evaluated 2024-12-19.

Conditions:
SMARCC2-related disorder. Also called: SMARCC2-related condition.

Allele frequency attached by ClinVar (database versions not stated): gnomAD exomes below 0.00001.
gnomAD v4.1: 2 of 1,613,746 alleles (0.00012%); highest among the groups gnomAD compares: Admixed American, 0.0017%; no homozygotes.

Submissions (2):

PreventionGenetics, part of Exact Sciences
Classification: Uncertain significance for SMARCC2-related condition. Last evaluated: 2024-12-19. Review status: criteria provided, single submitter. Criteria: ACMG Guidelines, 2015. Collection method: clinical testing. Allele origin: germline.
Comment: The SMARCC2 c.1051A>G variant is predicted to result in the amino acid substitution p.Asn351Asp. To our knowledge, this variant has not been reported in the literature or in a large population database (gnomAD), indicating this variant is rare. At this time, the clinical significance of this variant is uncertain due to the absence of conclusive functional and genetic evidence.

GeneDx
Classification: Uncertain significance. Last evaluated: 2023-04-10. Review status: criteria provided, single submitter. Criteria: GeneDx Variant Classification Process June 2021. Collection method: clinical testing. Allele origin: germline. Affected: yes.
Comment: Not observed at significant frequency in large population cohorts (gnomAD); In silico analysis supports that this missense variant has a deleterious effect on protein structure/function; Has not been previously published as pathogenic or benign to our knowledge

NM_001330288.2(SMARCC2):c.1051A>G (p.Asn351Asp)

Gene: SMARCC2 (SWI/SNF related BAF chromatin remodeling complex subunit C2; minus strand). Cytogenetic location: 12q13.2.
Variant type: single nucleotide variant.
Coding change: c.1051A>G on transcript NM_001330288.2 (MANE Select); coding-DNA position 1051, A replaced by G.
Protein change: p.Asn351Asp; replaces asparagine 351 with aspartic acid.
Molecular consequence: missense variant.
Genome position (GRCh38, 1-based): chr12:56,181,007, T>C on the plus strand (A>G on the coding strand, the complement: SMARCC2 is on the minus strand). VCF-style: chr12-56181007-T-C. GRCh37 (hg19) VCF-style: chr12-56574791-T-C.
Other names: c.1051A>G, p.Asn351Asp (NM_001130420.3, NM_003075.5, NM_139067.4); c.1051A>G (NM_003075.4); short protein forms N351D.
Identifiers: ClinVar variation 2663313 (VCV002663313.2), dbSNP rs2540935636, ClinGen allele CA385352564.
Genomic context (GRCh38, chr12:56,181,007, plus strand): 5'-TGGATCCCAGGAGCTCAGCCTGGCCTGTACCTGTTTTGGGAAGTGTCACCTCTTCTACAT[T>C]GGGGACTGGTGAGGGCTCGTCCATGTCCTTTGTCAGGTCTTCTTGCTCCTCTTCTCTGTG-3'
Protein context (NP_001317217.1, residues 341-361): KDMDEPSPVP[Asn351Asp]VEEVTLPKTV